The following is an entry in ClinVar:

NM_006785.4(MALT1):c.1993A>G (p.Lys665Glu)

Gene: MALT1 (MALT1 paracaspase; plus strand). Cytogenetic location: 18q21.32.
Variant type: single nucleotide variant.
Coding change: c.1993A>G on transcript NM_006785.4 (MANE Select); coding-DNA position 1993, A replaced by G.
Protein change: p.Lys665Glu; replaces lysine 665 with glutamic acid.
Molecular consequence: missense variant.
Genome position (GRCh38, 1-based): chr18:58,745,747, A>G. VCF-style: chr18-58745747-A-G. GRCh37 (hg19) VCF-style: chr18-56412979-A-G.
Other names: p.Lys665Glu; c.1960A>G, p.Lys654Glu (NM_173844.3); c.1993A>G (NM_006785.3, NM_006785.2); short protein forms K665E, K654E.
Identifiers: ClinVar variation 2149199 (VCV002149199.5), dbSNP rs780362968, ClinGen allele CA8978034.

ClinVar aggregate classification (germline): Uncertain significance. Review status: criteria provided, multiple submitters, no conflicts (2 of 4 stars). 3 submissions from 3 submitters: Uncertain significance (3). Last evaluated 2025-11-13.

Conditions:
Inborn genetic diseases. Identifiers: MedGen C0950123, MeSH D030342.
Combined immunodeficiency due to MALT1 deficiency. Also called: Immunodeficiency 12. Identifiers: Orphanet 397964, MedGen C3809583, MONDO:0014197, OMIM 615468.

Allele frequency attached by ClinVar (database versions not stated): ExAC 0.00001; TOPMed below 0.00001; gnomAD exomes 0.00002.
gnomAD v4.1: 9 of 1,613,852 alleles (0.00056%); highest among the groups gnomAD compares: Admixed American, 0.015%; no homozygotes.

Submissions (3):

Ambry Genetics
Classification: Uncertain significance for Inborn genetic diseases. Last evaluated: 2025-11-13. Review status: criteria provided, single submitter. Criteria: Ambry Variant Classification Scheme 2023. Collection method: clinical testing. Allele origin: germline.

Labcorp Genetics (formerly Invitae), Labcorp
Classification: Uncertain significance for Combined immunodeficiency due to MALT1 deficiency. Last evaluated: 2024-02-03. Review status: criteria provided, single submitter. Criteria: Invitae Variant Classification Sherloc (09022015). Collection method: clinical testing. Allele origin: germline.
Comment: This sequence change replaces lysine, which is basic and polar, with glutamic acid, which is acidic and polar, at codon 665 of the MALT1 protein (p.Lys665Glu). This variant is present in population databases (rs780362968, gnomAD 0.02%). This variant has not been reported in the literature in individuals affected with MALT1-related conditions. ClinVar contains an entry for this variant (Variation ID: 2149199). Advanced modeling of protein sequence and biophysical properties (such as structural, functional, and spatial information, amino acid conservation, physicochemical variation, residue mobility, and thermodynamic stability) performed at Invitae indicates that this missense variant is not expected to disrupt MALT1 protein function with a negative predictive value of 80%. In summary, the available evidence is currently insufficient to determine the role of this variant in disease. Therefore, it has been classified as a Variant of Uncertain Significance.

Mayo Clinic Laboratories, Mayo Clinic
Classification: Uncertain significance. Last evaluated: 2022-12-22. Review status: criteria provided, single submitter. Criteria: ACMG Guidelines, 2015. Collection method: clinical testing. Allele origin: germline. Observed: 1 variant allele.
Comment: BP4